The following is an entry in ClinVar:

ClinVar aggregate classification (germline): Likely benign (1 of 4 stars; one submission).

Allele frequency attached by ClinVar (database versions not stated): 1000 Genomes Project 0.00200; ExAC 0.00272; gnomAD 0.00317; ESP Exome Variant Server 0.00354; TOPMed 0.00378; gnomAD exomes 0.00463.
gnomAD v4.1: 7,195 of 1,614,164 alleles (0.45%); highest among the groups gnomAD compares: Admixed American, 0.64%; 22 homozygotes.

Submission:

CeGaT Center for Human Genetics Tuebingen
Classification: Likely benign. Last evaluated: 2022-09-01. Review status: criteria provided, single submitter. Criteria: CeGaT Center For Human Genetics Tuebingen Variant Classification Criteria Version 2. Collection method: clinical testing. Allele origin: germline. Affected: yes. Observed: 1 variant allele.
Comment: MYH13: BP4, BP7

NM_003802.3(MYH13):c.4119C>T (p.Ala1373=)

Gene: MYH13 (myosin heavy chain 13; minus strand). Cytogenetic location: 17p13.1.
Variant type: single nucleotide variant.
Coding change: c.4119C>T on transcript NM_003802.3 (MANE Select); coding-DNA position 4119, C replaced by T.
Protein change: p.Ala1373=; no amino-acid change (alanine 1373 retained).
Molecular consequence: synonymous variant.
Genome position (GRCh38, 1-based): chr17:10,313,220, G>A on the plus strand (C>T on the coding strand, the complement: MYH13 is on the minus strand). VCF-style: chr17-10313220-G-A. GRCh37 (hg19) VCF-style: chr17-10216537-G-A.
Identifiers: ClinVar variation 2647467 (VCV002647467.24), dbSNP rs190159101, ClinGen allele CA8385563.